The following is an entry in ClinVar:

NM_006059.4(LAMC3):c.3371C>G (p.Ser1124Cys)

Gene: LAMC3 (laminin subunit gamma 3; plus strand). Cytogenetic location: 9q34.12.
Variant type: single nucleotide variant.
Coding change: c.3371C>G on transcript NM_006059.4 (MANE Select); coding-DNA position 3371, C replaced by G.
Protein change: p.Ser1124Cys; replaces serine 1124 with cysteine.
Molecular consequence: missense variant.
Genome position (GRCh38, 1-based): chr9:131,072,789, C>G. VCF-style: chr9-131072789-C-G. GRCh37 (hg19) VCF-style: chr9-133948176-C-G.
Other names: short protein forms S1124C.
Identifiers: ClinVar variation 2089096 (VCV002089096.4), dbSNP rs113259170, ClinGen allele CA375259299.
Genomic context (GRCh38, chr9:131,072,789, plus strand): 5'-CCCAGGCCGGATCCCAGAAGACCTGCACCCAGCTGGCAGACCTGGAGGCAGTGCTGGAGT[C>G]CTCGGAAGAGGAGATTCTGCATGCAGCTGCCATTCTCGCGTCTCTGGTATCCCAGGGGAC-3'
Protein context (NP_006050.3, residues 1114-1134): QLADLEAVLE[Ser1124Cys]SEEEILHAAA

ClinVar aggregate classification (germline): Uncertain significance (1 of 4 stars; one submission).

Submission:

Labcorp Genetics (formerly Invitae), Labcorp
Classification: Uncertain significance. Last evaluated: 2024-04-17. Review status: criteria provided, single submitter. Criteria: Invitae Variant Classification Sherloc (09022015). Collection method: clinical testing. Allele origin: germline.
Comment: This sequence change replaces serine, which is neutral and polar, with cysteine, which is neutral and slightly polar, at codon 1124 of the LAMC3 protein (p.Ser1124Cys). This variant is not present in population databases (gnomAD no frequency). This variant has not been reported in the literature in individuals affected with LAMC3-related conditions. ClinVar contains an entry for this variant (Variation ID: 2089096). An algorithm developed to predict the effect of missense changes on protein structure and function (PolyPhen-2) suggests that this variant is likely to be disruptive. In summary, the available evidence is currently insufficient to determine the role of this variant in disease. Therefore, it has been classified as a Variant of Uncertain Significance.